The following is an entry in ClinVar:

ClinVar aggregate classification (germline): Likely benign (1 of 4 stars; one submission).

Allele frequency attached by ClinVar (database versions not stated): gnomAD exomes below 0.00001; ExAC 0.00001.
gnomAD v4.1: 2 of 1,610,938 alleles (0.00012%); highest among the groups gnomAD compares: African/African-American, 0.0013%; no homozygotes.

Submission:

CeGaT Center for Human Genetics Tuebingen
Classification: Likely benign. Last evaluated: 2022-12-01. Review status: criteria provided, single submitter. Criteria: CeGaT Center For Human Genetics Tuebingen Variant Classification Criteria Version 2. Collection method: clinical testing. Allele origin: germline. Affected: yes. Observed: 1 variant allele.
Comment: PTPN12: PM2:Supporting, BP4, BP7

NM_002835.4(PTPN12):c.654A>G (p.Lys218=)

Gene: PTPN12 (protein tyrosine phosphatase non-receptor type 12; plus strand). Cytogenetic location: 7q11.23.
Variant type: single nucleotide variant.
Coding change: c.654A>G on transcript NM_002835.4 (MANE Select); coding-DNA position 654, A replaced by G.
Protein change: p.Lys218=; no amino-acid change (lysine 218 retained).
Molecular consequence: synonymous variant.
Genome position (GRCh38, 1-based): chr7:77,600,765, A>G. VCF-style: chr7-77600765-A-G. GRCh37 (hg19) VCF-style: chr7-77230082-A-G.
Other names: c.297A>G, p.Lys99= (NM_001131008.2); c.264A>G, p.Lys88= (NM_001131009.2).
Identifiers: ClinVar variation 2657631 (VCV002657631.24), dbSNP rs756178175, ClinGen allele CA4311567.